The following is an entry in ClinVar:

NM_021619.3(PRDM12):c.955A>G (p.Lys319Glu)

Gene: PRDM12 (PR/SET domain 12; plus strand). Cytogenetic location: 9q34.12.
Variant type: single nucleotide variant.
Coding change: c.955A>G on transcript NM_021619.3 (MANE Select); coding-DNA position 955, A replaced by G.
Protein change: p.Lys319Glu; replaces lysine 319 with glutamic acid.
Molecular consequence: missense variant.
Genome position (GRCh38, 1-based): chr9:130,681,520, A>G. VCF-style: chr9-130681520-A-G. GRCh37 (hg19) VCF-style: chr9-133556907-A-G.
Other names: short protein forms K319E.
Identifiers: ClinVar variation 1767374 (VCV001767374.2), dbSNP rs2490750479, ClinGen allele CA375245057.

ClinVar aggregate classification (germline): Uncertain significance (1 of 4 stars; one submission).

Conditions:
Inborn genetic diseases. Identifiers: MedGen C0950123, MeSH D030342.

Submission:

Ambry Genetics
Classification: Uncertain significance for Inborn genetic diseases. Last evaluated: 2021-11-11. Review status: criteria provided, single submitter. Criteria: Ambry Variant Classification Scheme 2023. Collection method: clinical testing. Allele origin: germline.
Comment: The p.K319E variant (also known as c.955A>G), located in coding exon 5 of the PRDM12 gene, results from an A to G substitution at nucleotide position 955. The lysine at codon 319 is replaced by glutamic acid, an amino acid with similar properties. This amino acid position is conserved. In addition, this alteration is predicted to be tolerated by in silico analysis. Since supporting evidence is limited at this time, the clinical significance of this alteration remains unclear.